The following is an entry in ClinVar:

NM_000130.5(F5):c.4672A>G (p.Ile1558Val)

Gene: F5 (coagulation factor V; minus strand). Cytogenetic location: 1q24.2.
Variant type: single nucleotide variant.
Coding change: c.4672A>G on transcript NM_000130.5 (MANE Select); coding-DNA position 4672, A replaced by G.
Protein change: p.Ile1558Val; replaces isoleucine 1558 with valine.
Molecular consequence: missense variant.
Genome position (GRCh38, 1-based): chr1:169,540,418, T>C on the plus strand (A>G on the coding strand, the complement: F5 is on the minus strand). VCF-style: chr1-169540418-T-C. GRCh37 (hg19) VCF-style: chr1-169509656-T-C.
Other names: short protein forms I1558V.
Identifiers: ClinVar variation 2488803 (VCV002488803.4), dbSNP rs761306384, ClinGen allele CA1233668.
Genomic context (GRCh38, chr1:169,540,418, plus strand): 5'-TTCCATTGTTGCTGCGGAGGTACCATGCTGCAATGTTGTCAGGATCTCTGGAGGAGTTGA[T>C]GTTTGTCCTAACATCAGTTTTGTAGGGGTCATCATAGGGCACATAATCAATTTCAGCATA-3'
Protein context (NP_000121.2, residues 1548-1568): DPYKTDVRTN[Ile1558Val]NSSRDPDNIA

ClinVar aggregate classification (germline): Uncertain significance. Review status: criteria provided, multiple submitters, no conflicts (2 of 4 stars). 2 submissions from 2 submitters: Uncertain significance (2). Last evaluated 2025-08-04.

Conditions:
Inborn genetic diseases. Identifiers: MedGen C0950123, MeSH D030342.

Allele frequency attached by ClinVar (database versions not stated): gnomAD exomes 0.00004; TOPMed 0.00001; ExAC 0.00003; gnomAD 0.00002.
gnomAD v4.1: 57 of 1,613,948 alleles (0.0035%); highest among the groups gnomAD compares: Admixed American, 0.015%; no homozygotes.

Submissions (2):

Dasa
Classification: Uncertain significance. Last evaluated: 2025-08-04. Review status: criteria provided, single submitter. Criteria: DASA Assertion Criteria. Collection method: clinical testing. Allele origin: germline.
Comment: NM_000130.5(F5):c.4672A>G (p.Ile1558Val) is a missense variant that results in the substitution of isoleucine with valine. This variant is rare in population databases. Computational prediction algorithms are consistent with a benign effect. The currently available literature and clinical evidence are not sufficient to establish a definitive association between this variant and the reported condition. Therefore, this variant is classified as a variant of uncertain significance.

Ambry Genetics
Classification: Uncertain significance for Inborn genetic diseases. Last evaluated: 2023-02-23. Review status: criteria provided, single submitter. Criteria: Ambry Variant Classification Scheme 2023. Collection method: clinical testing. Allele origin: germline.